The following is an entry in ClinVar:

ClinVar aggregate classification (germline): Likely benign. Review status: criteria provided, multiple submitters, no conflicts (2 of 4 stars). 3 submissions from 3 submitters: Likely benign (2). 1 of the submissions does not count toward it. Last evaluated 2025-08-20.

Conditions:
CEBPA-related disorder. Also called: CEBPA-related condition.
Inborn genetic diseases. Identifiers: MedGen C0950123, MeSH D030342.
Acute myeloid leukemia (AML). Also called: Leukemia, acute myeloid, somatic; Leukemia, acute myelogenous, somatic; Acute myeloid leukemia, adult; AML adult; Acute non-lymphocytic leukemia; Acute granulocytic leukemia. Identifiers: Orphanet 519, MedGen C0023467, MeSH D015470, MONDO:0018874, OMIM 601626, HP:0004808. Disease mechanism: Constitutively activated FLT3.

Allele frequency attached by ClinVar (database versions not stated): gnomAD 0.00001; TOPMed 0.00001; gnomAD exomes 0.00006.
gnomAD v4.1: 9 of 1,496,814 alleles (0.0006%); highest among the groups gnomAD compares: Admixed American, 0.02%; no homozygotes.

Submissions (3):

Labcorp Genetics (formerly Invitae), Labcorp
Classification: Likely benign for Acute myeloid leukemia. Last evaluated: 2025-08-20. Review status: criteria provided, single submitter. Criteria: Invitae Variant Classification Sherloc (09022015). Collection method: clinical testing. Allele origin: germline.

Ambry Genetics
Classification: Likely benign for Inborn genetic diseases. Last evaluated: 2024-08-21. Review status: criteria provided, single submitter. Criteria: Ambry Variant Classification Scheme 2023. Collection method: clinical testing. Allele origin: germline.

PreventionGenetics, part of Exact Sciences
Classification: Likely benign for CEBPA-related condition. Last evaluated: 2019-05-23. Review status: no assertion criteria provided. Collection method: clinical testing. Allele origin: germline. Not counted in ClinVar's aggregate classification.
Comment: This variant is classified as likely benign based on ACMG/AMP sequence variant interpretation guidelines (Richards et al. 2015 PMID: 25741868, with internal and published modifications).

NM_004364.5(CEBPA):c.210G>A (p.Pro70=)

Gene: CEBPA (CCAAT enhancer binding protein alpha; minus strand). Cytogenetic location: 19q13.11.
Variant type: single nucleotide variant.
Coding change: c.210G>A on transcript NM_004364.5 (MANE Select); coding-DNA position 210, G replaced by A.
Protein change: p.Pro70=; no amino-acid change (proline 70 retained).
Molecular consequence: synonymous variant. On other transcripts: 5 prime UTR variant (1).
Genome position (GRCh38, 1-based): chr19:33,302,205, C>T on the plus strand (G>A on the coding strand, the complement: CEBPA is on the minus strand). VCF-style: chr19-33302205-C-T. GRCh37 (hg19) VCF-style: chr19-33793111-C-T.
Other names: c.-148G>A (NM_001285829.2); c.315G>A, p.Pro105= (NM_001287424.2); c.168G>A, p.Pro56= (NM_001287435.2); c.210G>A (NM_004364.3).
Identifiers: ClinVar variation 456673 (VCV000456673.15), dbSNP rs1432277634, ClinGen allele CA507007522.